The following is an entry in ClinVar:

NM_000426.4(LAMA2):c.1084A>T (p.Arg362Ter)

Gene: LAMA2 (laminin subunit alpha 2; plus strand). Cytogenetic location: 6q22.33.
Variant type: single nucleotide variant.
Coding change: c.1084A>T on transcript NM_000426.4 (MANE Select); coding-DNA position 1084, A replaced by T.
Protein change: p.Arg362Ter; replaces arginine 362 with a stop codon.
Molecular consequence: nonsense.
Genome position (GRCh38, 1-based): chr6:129,154,561, A>T. VCF-style: chr6-129154561-A-T. GRCh37 (hg19) VCF-style: chr6-129475706-A-T.
Other names: c.1084A>T, p.Arg362Ter (NM_001079823.2); short protein forms R362*.
Identifiers: ClinVar variation 631971 (VCV000631971.15), dbSNP rs191912891, ClinGen allele CA3992518.
Genomic context (GRCh38, chr6:129,154,561, plus strand): 5'-GCAGCATGCAATTGTCATGGAAAAGCTGAAGAATGCTATTATGATGAAAATGTTGCCAGA[A>T]GAAATCTGAGTTTGAATATACGTGGAAAGTACATTGGAGGGGGTGTCTGCATTAATTGTA-3'

ClinVar aggregate classification (germline): Pathogenic/Likely pathogenic. Review status: criteria provided, multiple submitters, no conflicts (2 of 4 stars). 5 submissions from 5 submitters: Pathogenic (1); Likely pathogenic (4). Last evaluated 2026-02-06.

Conditions:
Muscular dystrophy, limb-girdle, autosomal recessive 23. Identifiers: Orphanet 565837, MedGen C4748327, MONDO:0029136, OMIM 618138.
LAMA2-related muscular dystrophy (LAMA2-RD). Also called: Laminin alpha 2-related dystrophy. Identifiers: MedGen C5679788, MONDO:0100228.
Merosin deficient congenital muscular dystrophy (MDC1A). Also called: Congenital merosin-deficient muscular dystrophy 1A; Congenital Muscular Dystrophy Type 1A (MDC1A). Identifiers: Orphanet 258, MedGen C1263858, MONDO:0011925, OMIM 607855.

Allele frequency attached by ClinVar (database versions not stated): gnomAD 0.00005 and 0.00011; gnomAD exomes 0.00005 and 0.00023; TOPMed 0.00008; ExAC 0.00017; 1000 Genomes Project 0.00140; 1000 Genomes Project 30x 0.00141.
gnomAD v4.1: 107 of 1,614,032 alleles (0.0066%); highest among the groups gnomAD compares: East Asian, 0.14%; 1 homozygote.

Submissions (5):

Myriad Genetics, Inc.
Classification: Pathogenic for LAMA2-related muscular dystrophy. Last evaluated: 2026-02-06. Review status: criteria provided, single submitter. Criteria: Myriad Autosomal Dominant, Autosomal Recessive and X-Linked Classification Criteria (2023). Collection method: clinical testing. Allele origin: unknown.
Comment: NM_000426.3(LAMA2):c.1084A>T(R362*) is a nonsense variant classified as pathogenic in the context of muscular dystrophy, LAMA2-related. R362* has not been observed in cases with relevant disease. Relevant functional assessments of this variant are not available in the literature. R362* has been observed in referenced population frequency databases. In summary, NM_000426.3(LAMA2):c.1084A>T(R362*) is a nonsense variant in a gene where loss of function is a known mechanism of disease and is predicted to disrupt protein function. Please note: this variant was assessed in the context of healthy population screening.

Women's Health and Genetics/Laboratory Corporation of America, LabCorp
Classification: Likely pathogenic for LAMA2-related muscular dystrophy. Last evaluated: 2025-04-09. Review status: criteria provided, single submitter. Criteria: LabCorp Variant Classification Summary - May 2015. Collection method: clinical testing. Allele origin: germline.
Comment: Variant summary: LAMA2 c.1084A>T (p.Arg362X) results in a premature termination codon, predicted to cause a truncation of the encoded protein or absence of the protein due to nonsense mediated decay, which are commonly known mechanisms for disease. The variant allele was found at a frequency of 6.6e-05 in 1614032 control chromosomes in the gnomAD database, including 1 homozygotes. This frequency is not significantly higher than estimated for a pathogenic variant in LAMA2 causing Laminin Alpha 2-Related Dystrophy (6.6e-05 vs 0.0022), allowing no conclusion about variant significance. To our knowledge, no occurrence of c.1084A>T in individuals affected with Laminin Alpha 2-Related Dystrophy and no experimental evidence demonstrating its impact on protein function have been reported. ClinVar contains an entry for this variant (Variation ID: 631971). Based on the evidence outlined above, the variant was classified as likely pathogenic.

Department of Pathology and Laboratory Medicine, Sinai Health System
Classification: Likely pathogenic for Merosin deficient congenital muscular dystrophy; Muscular dystrophy, limb-girdle, autosomal recessive 23. Last evaluated: 2023-09-24. Review status: criteria provided, single submitter. Criteria: ACMG Guidelines, 2015. Collection method: research. Allele origin: germline.

Neuberg Centre For Genomic Medicine, NCGM
Classification: Likely pathogenic for Muscular dystrophy, limb-girdle, autosomal recessive 23. Last evaluated: 2023-05-20. Review status: criteria provided, single submitter. Criteria: ACMG Guidelines, 2015. Collection method: clinical testing. Allele origin: germline. Inheritance: Autosomal recessive inheritance. Affected: yes.
Comment: The stop gained variant c.1084A>T(p.Arg362Ter) in the LAMA2 gene has not been reported previously as a pathogenic variant nor as a benign variant, to our knowledge. This variant is reported with the allele frequency (0.02%) in the gnomAD Exomes. It has been submitted to ClinVar as Likely Pathogenic/ Uncertain significance. This variant is predicted to cause loss of normal protein function through protein truncation. Loss of function variants has been previously reported to be disease causing (Magri et al., 2020). For these reasons, this variant has been classified as Likely Pathogenic.

Juno Genomics, Hangzhou Juno Genomics, Inc
Classification: Likely pathogenic for Merosin deficient congenital muscular dystrophy; Muscular dystrophy, limb-girdle, autosomal recessive 23. Review status: criteria provided, single submitter. Criteria: ACMG Guidelines, 2015. Collection method: clinical testing. Allele origin: germline.
Comment: Null variant in a gene where loss of function (LOF) is a known mechanism of disease.;Absent from controls (or at extremely low frequency if recessive) in Genome Aggregation Database.